The following is an entry in ClinVar:

ClinVar aggregate classification (germline): Uncertain significance. Review status: criteria provided, multiple submitters, no conflicts (2 of 4 stars). 2 submissions from 2 submitters: Uncertain significance (2). Last evaluated 2024-06-25.

Conditions:
Inborn genetic diseases. Identifiers: MedGen C0950123, MeSH D030342.

Allele frequency attached by ClinVar (database versions not stated): TOPMed 0.00005; ExAC 0.00007; gnomAD 0.00009; 1000 Genomes Project 30x 0.00016.
gnomAD v4.1: 128 of 1,572,066 alleles (0.0081%); highest among the groups gnomAD compares: Non-Finnish European, 0.011%; no homozygotes.

Submissions (2):

Ambry Genetics
Classification: Uncertain significance for Inborn genetic diseases. Last evaluated: 2024-06-25. Review status: criteria provided, single submitter. Criteria: Ambry Variant Classification Scheme 2023. Collection method: clinical testing. Allele origin: germline.

Labcorp Genetics (formerly Invitae), Labcorp
Classification: Uncertain significance. Last evaluated: 2022-04-11. Review status: criteria provided, single submitter. Criteria: Invitae Variant Classification Sherloc (09022015). Collection method: clinical testing. Allele origin: germline.
Comment: In summary, the available evidence is currently insufficient to determine the role of this variant in disease. Therefore, it has been classified as a Variant of Uncertain Significance. Algorithms developed to predict the effect of missense changes on protein structure and function are either unavailable or do not agree on the potential impact of this missense change (SIFT: "Deleterious"; PolyPhen-2: "Probably Damaging"; Align-GVGD: "Class C0"). This variant has not been reported in the literature in individuals affected with HES7-related conditions. This variant is present in population databases (rs767564054, gnomAD 0.01%). This sequence change replaces aspartic acid, which is acidic and polar, with tyrosine, which is neutral and polar, at codon 137 of the HES7 protein (p.Asp137Tyr).

NM_001165967.2(HES7):c.424G>T (p.Asp142Tyr)

Genes: HES7 (hes family bHLH transcription factor 7; minus strand), LOC130060203 (ATAC-STARR-seq lymphoblastoid silent region 8155; plus strand). Cytogenetic location: 17p13.1.
Variant type: single nucleotide variant.
Coding change: c.424G>T on transcript NM_001165967.2 (MANE Select); coding-DNA position 424, G replaced by T.
Protein change: p.Asp142Tyr; replaces aspartic acid 142 with tyrosine.
Molecular consequence: missense variant.
Genome position (GRCh38, 1-based): chr17:8,121,840, C>A on the plus strand (G>T on the coding strand, the complement: HES7 is on the minus strand). VCF-style: chr17-8121840-C-A. GRCh37 (hg19) VCF-style: chr17-8025158-C-A.
Other names: c.409G>T, p.Asp137Tyr (NM_032580.4); c.409G>T (NM_032580.3); short protein forms D142Y, D137Y.
Identifiers: ClinVar variation 1984066 (VCV001984066.5), dbSNP rs767564054, ClinGen allele CA8368634.